The following is an entry in ClinVar:

ClinVar aggregate classification (germline): Uncertain significance (1 of 4 stars; one submission).

Conditions:
ALG1-congenital disorder of glycosylation. Also called: CONGENITAL DISORDER OF GLYCOSYLATION, TYPE Ik; CDG Ik; ALG1-CDG. Identifiers: Orphanet 79327, MedGen C2931005, MONDO:0012052, OMIM 608540.

Allele frequency attached by ClinVar (database versions not stated): TOPMed 0.00001.
gnomAD v4.1: 1 of 1,596,416 alleles (0.000063%); no homozygotes.

Submission:

Labcorp Genetics (formerly Invitae), Labcorp
Classification: Uncertain significance for ALG1-congenital disorder of glycosylation. Last evaluated: 2023-10-28. Review status: criteria provided, single submitter. Criteria: Invitae Variant Classification Sherloc (09022015). Collection method: clinical testing. Allele origin: germline.
Comment: This sequence change replaces arginine, which is basic and polar, with threonine, which is neutral and polar, at codon 326 of the ALG1 protein (p.Arg326Thr). This variant is not present in population databases (gnomAD no frequency). This variant has not been reported in the literature in individuals affected with ALG1-related conditions. Advanced modeling of protein sequence and biophysical properties (such as structural, functional, and spatial information, amino acid conservation, physicochemical variation, residue mobility, and thermodynamic stability) performed at Invitae indicates that this missense variant is not expected to disrupt ALG1 protein function with a negative predictive value of 80%. In summary, the available evidence is currently insufficient to determine the role of this variant in disease. Therefore, it has been classified as a Variant of Uncertain Significance.

NM_019109.5(ALG1):c.977G>C (p.Arg326Thr)

Gene: ALG1 (ALG1 chitobiosyldiphosphodolichol beta-mannosyltransferase; plus strand). Cytogenetic location: 16p13.3.
Variant type: single nucleotide variant.
Coding change: c.977G>C on transcript NM_019109.5 (MANE Select); coding-DNA position 977, G replaced by C.
Protein change: p.Arg326Thr; replaces arginine 326 with threonine.
Molecular consequence: missense variant.
Genome position (GRCh38, 1-based): chr16:5,080,961, G>C. VCF-style: chr16-5080961-G-C. GRCh37 (hg19) VCF-style: chr16-5130962-G-C.
Other names: c.644G>C, p.Arg215Thr (NM_001330504.2); short protein forms R326T, R215T.
Identifiers: ClinVar variation 2782178 (VCV002782178.3), dbSNP rs1350480175, ClinGen allele CA394672575.